The following is an entry in ClinVar:

NM_005560.6(LAMA5):c.9091C>T (p.Leu3031=)

Gene: LAMA5 (laminin subunit alpha 5; minus strand). Cytogenetic location: 20q13.33.
Variant type: single nucleotide variant.
Coding change: c.9091C>T on transcript NM_005560.6 (MANE Select); coding-DNA position 9091, C replaced by T.
Protein change: p.Leu3031=; no amino-acid change (leucine 3031 retained).
Molecular consequence: synonymous variant.
Genome position (GRCh38, 1-based): chr20:62,312,768, G>A on the plus strand (C>T on the coding strand, the complement: LAMA5 is on the minus strand). VCF-style: chr20-62312768-G-A. GRCh37 (hg19) VCF-style: chr20-60887824-G-A.
Other names: c.9091C>T (NM_005560.4).
Identifiers: ClinVar variation 2164555 (VCV002164555.5), dbSNP rs765425327, ClinGen allele CA9940420.

ClinVar aggregate classification (germline): Likely benign. Review status: criteria provided, multiple submitters, no conflicts (2 of 4 stars). 2 submissions from 2 submitters: Likely benign (2). Last evaluated 2026-07-15.

Conditions:
LAMA5-related disorder. Also called: LAMA5-related condition; LAMA5-Related Disorders.

Allele frequency attached by ClinVar (database versions not stated): gnomAD 0.00001; ExAC 0.00004; TOPMed 0.00004.
gnomAD v4.1: 103 of 1,590,242 alleles (0.0065%); highest among the groups gnomAD compares: Non-Finnish European, 0.0083%; no homozygotes.

Submissions (2):

PreventionGenetics, part of Exact Sciences
Classification: Likely benign for LAMA5-related condition. Last evaluated: 2026-07-15. Review status: criteria provided, single submitter. Criteria: ACMG Guidelines, 2015. Collection method: clinical testing. Allele origin: germline.
Comment: This variant is classified as likely benign based on ACMG/AMP sequence variant interpretation guidelines (Richards et al. 2015 PMID: 25741868, with internal and published modifications).

Labcorp Genetics (formerly Invitae), Labcorp
Classification: Likely benign. Last evaluated: 2025-11-17. Review status: criteria provided, single submitter. Criteria: Invitae Variant Classification Sherloc (09022015). Collection method: clinical testing. Allele origin: germline.